The following is an entry in ClinVar:

ClinVar aggregate classification (germline): Uncertain significance (1 of 4 stars; one submission).

Conditions:
Immunodeficiency 23 (IMD23). Also called: IMMUNODEFICIENCY WITH HYPER IgE AND COGNITIVE IMPAIRMENT; IMMUNODEFICIENCY-VASCULITIS-MYOCLONUS SYNDROME. Identifiers: Orphanet 443811, MedGen C4014371, MONDO:0014353, OMIM 615816.

Allele frequency attached by ClinVar (database versions not stated): gnomAD exomes below 0.00001 and 0.00001; TOPMed below 0.00001; gnomAD 0.00001.

Submission:

Labcorp Genetics (formerly Invitae), Labcorp
Classification: Uncertain significance for Immunodeficiency 23. Last evaluated: 2018-08-17. Review status: criteria provided, single submitter. Criteria: Invitae Variant Classification Sherloc (09022015). Collection method: clinical testing. Allele origin: germline.
Comment: This sequence change falls in intron 4 of the PGM3 gene. It does not directly change the encoded amino acid sequence of the PGM3 protein, but it affects a nucleotide within the consensus splice site of the intron. This variant is not present in population databases (ExAC no frequency). This variant has not been reported in the literature in individuals with PGM3-related disease. Nucleotide substitutions within the consensus splice site are a relatively common cause of aberrant splicing (PMID: 17576681, 9536098). Algorithms developed to predict the effect of sequence changes on RNA splicing suggest that this variant may disrupt the consensus splice site, but this prediction has not been confirmed by published transcriptional studies. In summary, the available evidence is currently insufficient to determine the role of this variant in disease. Therefore, it has been classified as a Variant of Uncertain Significance.

NM_015599.3(PGM3):c.389+4A>G

Gene: PGM3 (phosphoglucomutase 3; minus strand). Cytogenetic location: 6q14.1.
Variant type: single nucleotide variant.
Coding change: c.389+4A>G on transcript NM_015599.3 (MANE Select); 4 bases into the intron after coding-DNA position 389, A replaced by G.
Molecular consequence: intron variant.
Genome position (GRCh38, 1-based): chr6:83,188,610, T>C on the plus strand (A>G on the coding strand, the complement: PGM3 is on the minus strand). VCF-style: chr6-83188610-T-C. GRCh37 (hg19) VCF-style: chr6-83898329-T-C.
Other names: c.389+4A>G (LRG_1312t1, NM_001367286.1, NM_001199919.2); c.473+4A>G (NM_001199917.2, NM_001367287.1); c.146+4A>G (NM_001199918.2).
Identifiers: ClinVar variation 647194 (VCV000647194.1), dbSNP rs994978040, ClinGen allele CA141910323.